The following is an entry in ClinVar:

NM_016169.4(SUFU):c.1138C>T (p.Leu380Phe)

Gene: SUFU (SUFU negative regulator of hedgehog signaling; plus strand). Cytogenetic location: 10q24.32.
Variant type: single nucleotide variant.
Coding change: c.1138C>T on transcript NM_016169.4 (MANE Select); coding-DNA position 1138, C replaced by T.
Protein change: p.Leu380Phe; replaces leucine 380 with phenylalanine.
Molecular consequence: missense variant.
Genome position (GRCh38, 1-based): chr10:102,615,383, C>T. VCF-style: chr10-102615383-C-T. GRCh37 (hg19) VCF-style: chr10-104375140-C-T.
Other names: c.1138C>T, p.Leu380Phe (NM_001178133.2); short protein forms L380F.
Identifiers: ClinVar variation 4177563 (VCV004177563.1).
Genomic context (GRCh38, chr10:102,615,383, plus strand): 5'-CTGATTCGCACGCGGCAGCTTGAGAGCGTACATCTGAAATTCAACCAGGAGTCCGGAGCC[C>T]TCATTCCTCTCTGCCTAAGGTGAGCGAGACAGCCCTGCCACACAGTTTACCCCACAGCAC-3'
Protein context (NP_057253.2, residues 370-390): HLKFNQESGA[Leu380Phe]IPLCLRGRLL

ClinVar aggregate classification (germline): Uncertain significance (1 of 4 stars; one submission).

Conditions:
Hereditary cancer-predisposing syndrome. Also called: Neoplastic Syndromes, Hereditary; Tumor predisposition; Hereditary Cancer Syndrome; Hereditary neoplastic syndrome. Identifiers: Orphanet 140162, MedGen C0027672, MeSH D009386, MONDO:0015356.

gnomAD v4.1: 1 of 1,614,106 alleles (0.000062%); highest among the groups gnomAD compares: Non-Finnish European, 0.000085%; no homozygotes.

Submission:

Ambry Genetics
Classification: Uncertain significance for Hereditary cancer-predisposing syndrome. Last evaluated: 2025-09-10. Review status: criteria provided, single submitter. Criteria: Ambry Variant Classification Scheme 2023. Collection method: clinical testing. Allele origin: germline.
Comment: The p.L380F variant (also known as c.1138C>T), located in coding exon 9 of the SUFU gene, results from a C to T substitution at nucleotide position 1138. The leucine at codon 380 is replaced by phenylalanine, an amino acid with highly similar properties. This amino acid position is conserved. In addition, the in silico prediction for this alteration is inconclusive. Based on the available evidence, the clinical significance of this variant remains unclear.